The following is an entry in ClinVar:

ClinVar aggregate classification (germline): Likely benign. Review status: criteria provided, multiple submitters, no conflicts (2 of 4 stars). 3 submissions from 3 submitters: Likely benign (3). Last evaluated 2024-07-01.

Conditions:
Hereditary cancer-predisposing syndrome. Also called: Neoplastic Syndromes, Hereditary; Tumor predisposition; Hereditary Cancer Syndrome; Hereditary neoplastic syndrome. Identifiers: Orphanet 140162, MedGen C0027672, MeSH D009386, MONDO:0015356.
Gorlin syndrome. Also called: Basal cell nevus syndrome; Nevoid Basal Cell Carcinoma Syndrome. Identifiers: Orphanet 377, MedGen C0004779, MONDO:0007187.
Medulloblastoma (MDB). Also called: Medulloblastoma, somatic; MEDULLOBLASTOMA PREDISPOSITION SYNDROME. Identifiers: Orphanet 616, MedGen C0025149, MeSH D008527, MONDO:0007959, OMIM 155255, HP:0002885.

gnomAD v4.1: 7 of 1,614,090 alleles (0.00043%); highest among the groups gnomAD compares: South Asian, 0.0077%; no homozygotes.

Submissions (3):

CeGaT Center for Human Genetics Tuebingen
Classification: Likely benign. Last evaluated: 2024-07-01. Review status: criteria provided, single submitter. Criteria: CeGaT Center For Human Genetics Tuebingen Variant Classification Criteria Version 2. Collection method: clinical testing. Allele origin: germline. Affected: yes. Observed: 1 variant allele.
Comment: SUFU: BP4, BP7

Labcorp Genetics (formerly Invitae), Labcorp
Classification: Likely benign for Gorlin syndrome; Medulloblastoma. Last evaluated: 2023-06-24. Review status: criteria provided, single submitter. Criteria: Invitae Variant Classification Sherloc (09022015). Collection method: clinical testing. Allele origin: germline.

Ambry Genetics
Classification: Likely benign for Hereditary cancer-predisposing syndrome. Last evaluated: 2022-11-10. Review status: criteria provided, single submitter. Criteria: Ambry Variant Classification Scheme 2023. Collection method: clinical testing. Allele origin: germline.

NM_016169.4(SUFU):c.1149C>T (p.Leu383=)

Gene: SUFU (SUFU negative regulator of hedgehog signaling; plus strand). Cytogenetic location: 10q24.32.
Variant type: single nucleotide variant.
Coding change: c.1149C>T on transcript NM_016169.4 (MANE Select); coding-DNA position 1149, C replaced by T.
Protein change: p.Leu383=; no amino-acid change (leucine 383 retained).
Molecular consequence: synonymous variant.
Genome position (GRCh38, 1-based): chr10:102,615,394, C>T. VCF-style: chr10-102615394-C-T. GRCh37 (hg19) VCF-style: chr10-104375151-C-T.
Other names: c.1149C>T, p.Leu383= (NM_001178133.2).
Identifiers: ClinVar variation 2452600 (VCV002452600.22), dbSNP rs1393227252, ClinGen allele CA471286457.